The following is an entry in ClinVar:

ClinVar aggregate classification (germline): Uncertain significance (1 of 4 stars; one submission).

Allele frequency attached by ClinVar (database versions not stated): gnomAD 0.00001; gnomAD exomes 0.00001; TOPMed 0.00002.
gnomAD v4.1: 8 of 1,613,698 alleles (0.0005%); highest among the groups gnomAD compares: South Asian, 0.0022%; no homozygotes.

Submission:

Labcorp Genetics (formerly Invitae), Labcorp
Classification: Uncertain significance. Last evaluated: 2022-07-05. Review status: criteria provided, single submitter. Criteria: Invitae Variant Classification Sherloc (09022015). Collection method: clinical testing. Allele origin: germline.
Comment: In summary, the available evidence is currently insufficient to determine the role of this variant in disease. Therefore, it has been classified as a Variant of Uncertain Significance. ClinVar contains an entry for this variant (Variation ID: 968102). This variant has not been reported in the literature in individuals affected with PLK4-related conditions. This variant is not present in population databases (gnomAD no frequency). This sequence change replaces arginine, which is basic and polar, with cysteine, which is neutral and slightly polar, at codon 146 of the PLK4 protein (p.Arg146Cys). Algorithms developed to predict the effect of missense changes on protein structure and function are either unavailable or do not agree on the potential impact of this missense change (SIFT: "Deleterious"; PolyPhen-2: "Probably Damaging"; Align-GVGD: "Class C15").

NM_014264.5(PLK4):c.436C>T (p.Arg146Cys)

Gene: PLK4 (polo like kinase 4; plus strand). Cytogenetic location: 4q28.1.
Variant type: single nucleotide variant.
Coding change: c.436C>T on transcript NM_014264.5 (MANE Select); coding-DNA position 436, C replaced by T.
Protein change: p.Arg146Cys; replaces arginine 146 with cysteine.
Molecular consequence: missense variant.
Genome position (GRCh38, 1-based): chr4:127,885,806, C>T. VCF-style: chr4-127885806-C-T. GRCh37 (hg19) VCF-style: chr4-128806961-C-T.
Other names: c.340C>T, p.Arg114Cys (NM_001190799.2); c.313C>T, p.Arg105Cys (NM_001190801.2); short protein forms R146C, R105C, R114C.
Identifiers: ClinVar variation 968102 (VCV000968102.6), dbSNP rs1044647621, ClinGen allele CA105689452.
Genomic context (GRCh38, chr4:127,885,806, plus strand): 5'-TATCTTCATTCTCATGGTATACTACACCGGGACCTCACACTTTCTAACCTCCTACTGACT[C>T]GTAATATGAACATCAAGATTGCTGATTTTGGGCTGGCAACTCAACTGAAAATGCCACATG-3'
Protein context (NP_055079.3, residues 136-156): DLTLSNLLLT[Arg146Cys]NMNIKIADFG